The following is an entry in ClinVar:

NM_004655.4(AXIN2):c.1975C>T (p.Arg659Trp)

Gene: AXIN2 (axin 2; minus strand). Cytogenetic location: 17q24.1.
Variant type: single nucleotide variant.
Coding change: c.1975C>T on transcript NM_004655.4 (MANE Select); coding-DNA position 1975, C replaced by T.
Protein change: p.Arg659Trp; replaces arginine 659 with tryptophan.
Molecular consequence: missense variant.
Genome position (GRCh38, 1-based): chr17:65,536,486, G>A on the plus strand (C>T on the coding strand, the complement: AXIN2 is on the minus strand). VCF-style: chr17-65536486-G-A. GRCh37 (hg19) VCF-style: chr17-63532604-G-A.
Other names: p.Arg659Trp; c.1780C>T, p.Arg594Trp (NM_001363813.1); c.1975C>T (LRG_296t1); short protein forms R659W, R594W.
Identifiers: ClinVar variation 240002 (VCV000240002.37), dbSNP rs142670753, ClinGen allele CA8718444.

ClinVar aggregate classification (germline): Benign/Likely benign. Review status: criteria provided, multiple submitters, no conflicts (2 of 4 stars). 15 submissions from 15 submitters: Benign (1); Likely benign (14). Last evaluated 2026-07-02.

Conditions:
Colorectal cancer. Also called: Colorectal cancer, somatic; Malignant Colorectal Neoplasm. Identifiers: MedGen C0346629, MONDO:0005575, OMIM 114500.
Oligodontia-cancer predisposition syndrome. Also called: TOOTH AGENESIS-COLORECTAL CANCER SYNDROME. Identifiers: Orphanet 300576, MedGen C1837750, MONDO:0012075, OMIM 608615. Disease mechanism: loss of function.
AXIN2-related disorder.
Hereditary cancer-predisposing syndrome. Also called: Neoplastic Syndromes, Hereditary; Hereditary neoplastic syndrome; Hereditary Cancer Syndrome; Tumor predisposition. Identifiers: Orphanet 140162, MedGen C0027672, MeSH D009386, MONDO:0015356.

Allele frequency attached by ClinVar (database versions not stated): gnomAD 0.00014 and 0.00015; ESP Exome Variant Server 0.00015; TOPMed 0.00017; gnomAD exomes 0.00027; ExAC 0.00030.
gnomAD v4.1: 406 of 1,613,866 alleles (0.025%); highest among the groups gnomAD compares: Middle Eastern, 1.2%; 4 homozygotes.

Submissions (15):

PreventionGenetics, part of Exact Sciences
Classification: Likely benign for AXIN2-related condition. Last evaluated: 2026-07-02. Review status: criteria provided, single submitter. Criteria: ACMG Guidelines, 2015. Collection method: clinical testing. Allele origin: germline.
Comment: This variant is classified as likely benign based on ACMG/AMP sequence variant interpretation guidelines (Richards et al. 2015 PMID: 25741868, with internal and published modifications).

Labcorp Genetics (formerly Invitae), Labcorp
Classification: Likely benign for Oligodontia-cancer predisposition syndrome. Last evaluated: 2026-02-02. Review status: criteria provided, single submitter. Criteria: Invitae Variant Classification Sherloc (09022015). Collection method: clinical testing. Allele origin: germline.

Mayo Clinic Laboratories, Mayo Clinic
Classification: Likely benign. Last evaluated: 2025-10-07. Review status: criteria provided, single submitter. Criteria: ACMG Guidelines, 2015. Collection method: clinical testing. Allele origin: germline. Observed: 2 variant alleles.

Quest Diagnostics Nichols Institute San Juan Capistrano
Classification: Likely benign. Last evaluated: 2025-09-03. Review status: criteria provided, single submitter. Criteria: Quest Diagnostics criteria. Collection method: clinical testing. Allele origin: unknown.

Laboratorio de I+D, Fundación Centro Médico de Asturias
Classification: Benign for Hereditary cancer-predisposing syndrome. Last evaluated: 2025-07-08. Review status: criteria provided, single submitter. Criteria: ACMG Guidelines, 2015. Collection method: clinical testing. Allele origin: germline.
Comment: BS1+BP4_Moderate+BP1

Center for Genomic Medicine, Rigshospitalet, Copenhagen University Hospital
Classification: Likely benign. Last evaluated: 2025-03-04. Review status: criteria provided, single submitter. Criteria: ACMG Guidelines, 2015. Collection method: clinical testing. Allele origin: germline.

Molecular Pathology, Peter Maccallum Cancer Centre
Classification: Likely benign for Oligodontia-cancer predisposition syndrome. Last evaluated: 2024-12-04. Review status: criteria provided, single submitter. Criteria: ACMG Guidelines, 2015. Collection method: clinical testing. Allele origin: germline. Inheritance: Autosomal dominant inheritance.

Blueprint Genetics
Classification: Likely benign. Last evaluated: 2024-11-06. Review status: criteria provided, single submitter. Criteria: ACMG Guidelines, 2015. Collection method: clinical testing. Allele origin: germline.

Women's Health and Genetics/Laboratory Corporation of America, LabCorp
Classification: Likely benign. Last evaluated: 2022-04-28. Review status: criteria provided, single submitter. Criteria: LabCorp Variant Classification Summary - May 2015. Collection method: clinical testing. Allele origin: germline.
Comment: Variant summary: AXIN2 c.1975C>T (p.Arg659Trp) results in a non-conservative amino acid change in the encoded protein sequence. Four of five in-silico tools predict a damaging effect of the variant on protein function. The variant allele was found at a frequency of 0.00027 in 245028 control chromosomes. The observed variant frequency is approximately 2 fold of the estimated maximal expected allele frequency for a pathogenic variant in AXIN2 causing Colorectal Cancer phenotype (0.00014), strongly suggesting that the variant is benign. c.1975C>T has been reported in the literature in at least one individual affected with Colorectal Cancer. These reports do not provide unequivocal conclusions about association of the variant with Colorectal Cancer. Four clinical diagnostic laboratories have submitted clinical-significance assessments for this variant to ClinVar after 2014 without evidence for independent evaluation. All laboratories classified the variant as likely benign. Based on the evidence outlined above, the variant was classified as likely benign.

Fulgent Genetics
Classification: Likely benign for Colorectal cancer; Oligodontia-cancer predisposition syndrome. Last evaluated: 2021-10-11. Review status: criteria provided, single submitter. Criteria: ACMG Guidelines, 2015. Collection method: clinical testing. Allele origin: unknown.

Sema4
Classification: Likely benign for Hereditary cancer-predisposing syndrome. Last evaluated: 2021-04-01. Review status: criteria provided, single submitter. Criteria: Sema4 Curation Guidelines. Collection method: curation. Allele origin: germline.

GeneDx
Classification: Likely benign. Last evaluated: 2020-09-25. Review status: criteria provided, single submitter. Criteria: GeneDx Variant Classification Process June 2021. Collection method: clinical testing. Allele origin: germline. Affected: yes.
Comment: In silico analysis, which includes protein predictors and evolutionary conservation, supports a deleterious effect; Observed in an individual with non-syndromic tooth agenesis as well as individuals with a personal or family history including colorectal, sarcoma, and other cancers (Pedace 2011, Ballinger 2016, Raskin 2017, Haddaji Mastouri 2018); This variant is associated with the following publications: (PMID: 29114927, 28640387, 12101426, 21294210, 25236910, 15735151, 15538750, 15067328, 27498913, 29212164, 33193653)

Ambry Genetics
Classification: Likely benign for Hereditary cancer-predisposing syndrome. Last evaluated: 2019-10-03. Review status: criteria provided, single submitter. Criteria: Ambry Variant Classification Scheme 2023. Collection method: clinical testing. Allele origin: germline.

Illumina Laboratory Services, Illumina
Classification: Likely benign for Oligodontia-cancer predisposition syndrome. Last evaluated: 2017-04-27. Review status: criteria provided, single submitter. Criteria: ICSL Variant Classification Criteria 13 December 2019. Collection method: clinical testing. Allele origin: germline.
Comment: This variant was observed as part of a predisposition screen in an ostensibly healthy population. A literature search was performed for the gene, cDNA change, and amino acid change (where applicable). Publications were found based on this search. The evidence from the literature, in combination with allele frequency data from public databases where available, was sufficient to determine this variant is unlikely to cause disease. Therefore, this variant is classified as likely benign.

Breakthrough Genomics
Classification: Likely benign. Review status: criteria provided, single submitter. Criteria: ACMG Guidelines, 2015. Collection method: not provided. Allele origin: germline. Inheritance: Autosomal dominant inheritance. Affected: yes.

Literature cited by the submitters: PubMed 21294210 (cited by Quest Diagnostics Nichols Institute San Juan Capistrano and Illumina Laboratory Services, Illumina); PubMed 12101426 (cited by Quest Diagnostics Nichols Institute San Juan Capistrano and Illumina Laboratory Services, Illumina); PubMed 29114927 (cited by Quest Diagnostics Nichols Institute San Juan Capistrano); PubMed 33193653 (cited by Quest Diagnostics Nichols Institute San Juan Capistrano and Women's Health and Genetics/Laboratory Corporation of America, LabCorp); PubMed 29212164 (cited by Quest Diagnostics Nichols Institute San Juan Capistrano).